The following is an entry in ClinVar:

ClinVar aggregate classification (germline): Uncertain significance (1 of 4 stars; one submission).

Conditions:
Combined immunodeficiency due to ZAP70 deficiency (IMD48). Also called: ZAP70 Deficiency; Immunodeficiency 48. Identifiers: Orphanet 911, MedGen C2931299, MONDO:0010023, OMIM 269840.

Submission:

Labcorp Genetics (formerly Invitae), Labcorp
Classification: Uncertain significance for Combined immunodeficiency due to ZAP70 deficiency. Last evaluated: 2021-07-15. Review status: criteria provided, single submitter. Criteria: Invitae Variant Classification Sherloc (09022015). Collection method: clinical testing. Allele origin: germline.
Comment: In summary, the available evidence is currently insufficient to determine the role of this variant in disease. Therefore, it has been classified as a Variant of Uncertain Significance. Algorithms developed to predict the effect of missense changes on protein structure and function are either unavailable or do not agree on the potential impact of this missense change (SIFT: "Not Available"; PolyPhen-2: "Possibly Damaging"; Align-GVGD: "Not Available"). This sequence change replaces valine with leucine at codon 438 of the ZAP70 protein (p.Val438Leu). The valine residue is weakly conserved and there is a small physicochemical difference between valine and leucine. This variant is not present in population databases (ExAC no frequency). This variant has not been reported in the literature in individuals affected with ZAP70-related conditions.

NM_001079.4(ZAP70):c.1312G>C (p.Val438Leu)

Gene: ZAP70 (zeta chain of T cell receptor associated protein kinase 70; plus strand). Cytogenetic location: 2q11.2.
Variant type: single nucleotide variant.
Coding change: c.1312G>C on transcript NM_001079.4 (MANE Select); coding-DNA position 1312, G replaced by C.
Protein change: p.Val438Leu; replaces valine 438 with leucine.
Molecular consequence: missense variant.
Genome position (GRCh38, 1-based): chr2:97,737,495, G>C. VCF-style: chr2-97737495-G-C. GRCh37 (hg19) VCF-style: chr2-98353958-G-C.
Other names: c.1312G>C, p.Val438Leu (NM_001378594.1); c.391G>C, p.Val131Leu (NM_207519.2); short protein forms V438L, V131L.
Identifiers: ClinVar variation 1480608 (VCV001480608.8), dbSNP rs2104703012, ClinGen allele CA347803265.